The following is an entry in ClinVar:

NM_001136271.3(NKX2-6):c.181G>A (p.Gly61Ser)

Gene: NKX2-6 (NK2 homeobox 6; minus strand). Cytogenetic location: 8p21.2.
Variant type: single nucleotide variant.
Coding change: c.181G>A on transcript NM_001136271.3 (MANE Select); coding-DNA position 181, G replaced by A.
Protein change: p.Gly61Ser; replaces glycine 61 with serine.
Molecular consequence: missense variant.
Genome position (GRCh38, 1-based): chr8:23,706,418, C>T on the plus strand (G>A on the coding strand, the complement: NKX2-6 is on the minus strand). VCF-style: chr8-23706418-C-T. GRCh37 (hg19) VCF-style: chr8-23563931-C-T.
Other names: short protein forms G61S.
Identifiers: ClinVar variation 972419 (VCV000972419.7), dbSNP rs774277973, ClinGen allele CA4678013.
Genomic context (GRCh38, chr8:23,706,418, plus strand): 5'-AGACTGCCTCACAGGGACCCCCAGGAGGCTCCGAACCATCCAGCTTTCTGTCACCGCCGC[C>T]GCCACCAGCGTTGTGAACCTCTGACCCTCGCGGCTCTGCGTCCATTCTCAGGTACTGAAA-3'
Protein context (NP_001129743.2, residues 51-71): RGSEVHNAGG[Gly61Ser]GGDRKLDGSE

ClinVar aggregate classification (germline): Uncertain significance (1 of 4 stars; one submission).

Conditions:
Conotruncal heart malformations (CTHM). Also called: Conotruncal heart malformations, variable. Identifiers: Orphanet 2445, Orphanet 3384, Orphanet 3426, MedGen C1857586, MONDO:0016581, OMIM 217095.

Allele frequency attached by ClinVar (database versions not stated): gnomAD 0.00001; gnomAD exomes 0.00001; TOPMed 0.00001; ExAC 0.00005.
gnomAD v4.1: 14 of 1,550,510 alleles (0.0009%); highest among the groups gnomAD compares: South Asian, 0.0024%; no homozygotes.

Submission:

Labcorp Genetics (formerly Invitae), Labcorp
Classification: Uncertain significance for Conotruncal heart malformations. Last evaluated: 2019-10-23. Review status: criteria provided, single submitter. Criteria: Invitae Variant Classification Sherloc (09022015). Collection method: clinical testing. Allele origin: germline.
Comment: In summary, the available evidence is currently insufficient to determine the role of this variant in disease. Therefore, it has been classified as a Variant of Uncertain Significance. Algorithms developed to predict the effect of missense changes on protein structure and function output the following: SIFT: "Deleterious"; PolyPhen-2: "Benign"; Align-GVGD: "Class C0". The serine amino acid residue is found in multiple mammalian species, suggesting that this missense change does not adversely affect protein function. These predictions have not been confirmed by published functional studies and their clinical significance is uncertain. This variant has not been reported in the literature in individuals with NKX2-6-related conditions. The frequency data for this variant in the population databases is considered unreliable, as metrics indicate poor data quality at this position in the ExAC database. This sequence change replaces glycine with serine at codon 61 of the NKX2-6 protein (p.Gly61Ser). The glycine residue is highly conserved and there is a small physicochemical difference between glycine and serine.